The following is an entry in ClinVar:

ClinVar aggregate classification (germline): Pathogenic. Review status: criteria provided, single submitter (1 of 4 stars). 4 submissions from 4 submitters: Pathogenic (1). 3 of the submissions do not count toward it. Last evaluated 2015-05-28.

Conditions:
Usher syndrome type 1 (USH1). Also called: RETINITIS PIGMENTOSA AND CONGENITAL DEAFNESS. Identifiers: Orphanet 231169, Orphanet 886, MedGen C1568247, MONDO:0010168, OMIM 276900.

Allele frequency attached by ClinVar (database versions not stated): gnomAD exomes below 0.00001.
gnomAD v4.1: 1 of 1,553,766 alleles (0.000064%); highest among the groups gnomAD compares: Non-Finnish European, 0.000088%; no homozygotes.

Submissions (4):

GeneDx
Classification: Pathogenic. Last evaluated: 2015-05-28. Review status: criteria provided, single submitter. Criteria: GeneDx Variant Classification (06012015). Collection method: clinical testing. Allele origin: germline. Affected: yes.
Comment: The c.7760+1 G>T splice site mutation in the CDH23 gene has been previouslyreported in association with Usher syndrome type I (Schultz et al., 2011). Specifically, the c.7760+1 G>T variant was identified in a patient who was compound heterozygous for the c.288+1 G>C splice site variant (Schultz et al., 2011). The c.7760+1 G>T variant destroys the canonical splice donor site in intron 54, and is expected to cause abnormal gene splicing. Therefore, we interpret this variant to be pathogenic.

Natera, Inc.
Classification: Pathogenic for Usher syndrome type 1. Last evaluated: 2021-09-27. Review status: no assertion criteria provided. Collection method: clinical testing. Allele origin: germline. Not counted in ClinVar's aggregate classification.

Clinical Genetics DNA and cytogenetics Diagnostics Lab, Erasmus MC, Erasmus Medical Center
Classification: Pathogenic. Review status: no assertion criteria provided. Collection method: clinical testing. Allele origin: germline. Affected: yes. Study: VKGL Data-share Consensus. Not counted in ClinVar's aggregate classification.

Clinical Genetics, Academic Medical Center
Classification: Pathogenic. Review status: no assertion criteria provided. Collection method: clinical testing. Allele origin: germline. Affected: yes. Study: VKGL Data-share Consensus. Not counted in ClinVar's aggregate classification.

NM_022124.6(CDH23):c.7660+1G>T

Gene: CDH23 (cadherin related 23; plus strand). Cytogenetic location: 10q22.1.
Variant type: single nucleotide variant.
Coding change: c.7660+1G>T on transcript NM_022124.6 (MANE Select); the canonical splice donor site of the intron after coding-DNA position 7660, G replaced by T.
Molecular consequence: splice donor variant.
Genome position (GRCh38, 1-based): chr10:71,803,076, G>T. VCF-style: chr10-71803076-G-T. GRCh37 (hg19) VCF-style: chr10-73562833-G-T.
Other names: c.940+1G>T (NM_001171933.1, NM_001171934.1).
Identifiers: ClinVar variation 379601 (VCV000379601.6), dbSNP rs1057520662, ClinGen allele CA16605685.